The following is an entry in ClinVar:

ClinVar aggregate classification (germline): Likely pathogenic. Review status: criteria provided, multiple submitters, no conflicts (2 of 4 stars). 2 submissions from 2 submitters: Likely pathogenic (2). Last evaluated 2021-09-15.

Conditions:
Bietti crystalline corneoretinal dystrophy (BCD). Also called: BIETTI TAPETORETINAL DEGENERATION WITH MARGINAL CORNEAL DYSTROPHY; Bietti Crystalline Dystrophy. Identifiers: Orphanet 41751, MedGen C1859486, MONDO:0008865, OMIM 210370.

gnomAD v4.1: 5 of 1,614,150 alleles (0.00031%); highest among the groups gnomAD compares: Admixed American, 0.0033%; no homozygotes.

Submissions (2):

Labcorp Genetics (formerly Invitae), Labcorp
Classification: Likely pathogenic. Last evaluated: 2021-09-15. Review status: criteria provided, single submitter. Criteria: Invitae Variant Classification Sherloc (09022015). Collection method: clinical testing. Allele origin: germline.
Comment: ClinVar contains an entry for this variant (Variation ID: 802105). In summary, the currently available evidence indicates that the variant is pathogenic, but additional data are needed to prove that conclusively. Therefore, this variant has been classified as Likely Pathogenic. This variant disrupts the p.Arg390 amino acid residue in CYP4V2. Other variant(s) that disrupt this residue have been determined to be pathogenic (PMID: 22087103, 26971461, 28051075). This suggests that this residue is clinically significant, and that variants that disrupt this residue are likely to be disease-causing. Advanced modeling of protein sequence and biophysical properties (such as structural, functional, and spatial information, amino acid conservation, physicochemical variation, residue mobility, and thermodynamic stability) performed at Invitae indicates that this missense variant is expected to disrupt CYP4V2 protein function. This variant has not been reported in the literature in individuals affected with CYP4V2-related conditions. This variant is not present in population databases (ExAC no frequency). This sequence change replaces arginine with leucine at codon 390 of the CYP4V2 protein (p.Arg390Leu). The arginine residue is highly conserved and there is a moderate physicochemical difference between arginine and leucine.

Mendelics
Classification: Likely pathogenic for Bietti crystalline corneoretinal dystrophy. Last evaluated: 2019-05-28. Review status: criteria provided, single submitter. Criteria: Mendelics Assertion Criteria 2017. Collection method: clinical testing. Allele origin: unknown.

Literature cited by the submitters: PubMed 22087103 (cited by Labcorp Genetics (formerly Invitae), Labcorp); PubMed 26971461 (cited by Labcorp Genetics (formerly Invitae), Labcorp); PubMed 28051075 (cited by Labcorp Genetics (formerly Invitae), Labcorp).

NM_207352.4(CYP4V2):c.1169G>T (p.Arg390Leu)

Gene: CYP4V2 (cytochrome P450 family 4 subfamily V member 2; plus strand). Cytogenetic location: 4q35.2.
Variant type: single nucleotide variant.
Coding change: c.1169G>T on transcript NM_207352.4 (MANE Select); coding-DNA position 1169, G replaced by T.
Protein change: p.Arg390Leu; replaces arginine 390 with leucine.
Molecular consequence: missense variant.
Genome position (GRCh38, 1-based): chr4:186,208,943, G>T. VCF-style: chr4-186208943-G-T. GRCh37 (hg19) VCF-style: chr4-187130097-G-T.
Other names: short protein forms R390L.
Identifiers: ClinVar variation 802105 (VCV000802105.6), dbSNP rs199476201, ClinGen allele CA358950221.